The following is an entry in ClinVar:

ClinVar aggregate classification (germline): Uncertain significance (1 of 4 stars; one submission).

Conditions:
Congenital sideroblastic anemia-B-cell immunodeficiency-periodic fever-developmental delay syndrome. Also called: Sideroblastic anemia with B-cell immunodeficiency, periodic fevers, and developmental delay. Identifiers: Orphanet 369861, MedGen C4015172, MONDO:0014487, OMIM 616084.

Allele frequency attached by ClinVar (database versions not stated): gnomAD exomes below 0.00001; TOPMed below 0.00001; gnomAD 0.00001.
gnomAD v4.1: 3 of 1,610,692 alleles (0.00019%); highest among the groups gnomAD compares: East Asian, 0.0067%; no homozygotes.

Submission:

Labcorp Genetics (formerly Invitae), Labcorp
Classification: Uncertain significance for Congenital sideroblastic anemia-B-cell immunodeficiency-periodic fever-developmental delay syndrome. Last evaluated: 2022-07-12. Review status: criteria provided, single submitter. Criteria: Invitae Variant Classification Sherloc (09022015). Collection method: clinical testing. Allele origin: germline.
Comment: This sequence change replaces histidine, which is basic and polar, with aspartic acid, which is acidic and polar, at codon 108 of the TRNT1 protein (p.His108Asp). This variant is present in population databases (no rsID available, gnomAD 0.01%). This variant has not been reported in the literature in individuals affected with TRNT1-related conditions. ClinVar contains an entry for this variant (Variation ID: 852757). Algorithms developed to predict the effect of missense changes on protein structure and function are either unavailable or do not agree on the potential impact of this missense change (SIFT: "Tolerated"; PolyPhen-2: "Probably Damaging"; Align-GVGD: "Class C0"). In summary, the available evidence is currently insufficient to determine the role of this variant in disease. Therefore, it has been classified as a Variant of Uncertain Significance.

NM_182916.3(TRNT1):c.322C>G (p.His108Asp)

Gene: TRNT1 (tRNA nucleotidyl transferase 1; plus strand). Cytogenetic location: 3p26.2.
Variant type: single nucleotide variant.
Coding change: c.322C>G on transcript NM_182916.3 (MANE Select); coding-DNA position 322, C replaced by G.
Protein change: p.His108Asp; replaces histidine 108 with aspartic acid.
Molecular consequence: missense variant. On other transcripts: non-coding transcript variant (8).
Genome position (GRCh38, 1-based): chr3:3,137,433, C>G. VCF-style: chr3-3137433-C-G. GRCh37 (hg19) VCF-style: chr3-3179117-C-G.
Other names: c.322C>G, p.His108Asp (NM_001302946.2, NM_001367321.1, NM_001367322.1 and 1 more transcripts); short protein forms H108D.
Identifiers: ClinVar variation 852757 (VCV000852757.4), dbSNP rs1159782126, ClinGen allele CA351443299.